The following is an entry in ClinVar:

ClinVar aggregate classification (germline): Likely benign. Review status: criteria provided, multiple submitters, no conflicts (2 of 4 stars). 3 submissions from 3 submitters: Likely benign (2). 1 of the submissions does not count toward it. Last evaluated 2025-12-15.

Conditions:
PLEC-related disorder. Also called: PLEC-related condition; PLEC-related disorders.
Autosomal recessive limb-girdle muscular dystrophy type 2Q (LGMDR17). Also called: MUSCULAR DYSTROPHY, LIMB-GIRDLE, AUTOSOMAL RECESSIVE 17. Identifiers: Orphanet 254361, MedGen C3150989, MONDO:0013390, OMIM 613723.
Epidermolysis bullosa simplex 5B, with muscular dystrophy (EBS5B). Also called: Epidermolysis bullosa simplex with muscular dystrophy; EPIDERMOLYSIS BULLOSA SIMPLEX AND LIMB-GIRDLE MUSCULAR DYSTROPHY. Identifiers: Orphanet 257, MedGen C2931072, MONDO:0009181, OMIM 226670.
Epidermolysis bullosa simplex with nail dystrophy (EBS5D). Identifiers: MedGen C4225309, MONDO:0014661, OMIM 616487.
Epidermolysis bullosa simplex, Ogna type (EBS5A). Also called: Pidermolysis bullosa simplex 5A, Ogna type; EPIDERMOLYSIS BULLOSA SIMPLEX 5A, OGNA TYPE. Identifiers: Orphanet 79401, MedGen C0432317, MONDO:0007555, OMIM 131950.
Epidermolysis bullosa simplex 5C, with pyloric atresia (EBS5C). Also called: PLEC1-Related Epidermolysis Bullosa with Pyloric Atresia; PLEC-Related Epidermolysis Bullosa with Pyloric Atresia; Epidermolysis bullosa simplex with pyloric atresia. Identifiers: Orphanet 158684, MedGen C2677349, MONDO:0012807, OMIM 612138.

Allele frequency attached by ClinVar (database versions not stated): gnomAD below 0.00001 and 0.00003; TOPMed 0.00001; gnomAD exomes 0.00021; ExAC 0.00023; 1000 Genomes Project 0.00040; 1000 Genomes Project 30x 0.00047.
gnomAD v4.1: 168 of 1,612,988 alleles (0.01%); highest among the groups gnomAD compares: South Asian, 0.13%; no homozygotes.

Submissions (3):

Labcorp Genetics (formerly Invitae), Labcorp
Classification: Likely benign for Autosomal recessive limb-girdle muscular dystrophy type 2Q; Epidermolysis bullosa simplex, Ogna type; Epidermolysis bullosa simplex with nail dystrophy; Epidermolysis bullosa simplex 5C, with pyloric atresia; Epidermolysis bullosa simplex 5B, with muscular dystrophy. Last evaluated: 2025-12-15. Review status: criteria provided, single submitter. Criteria: Invitae Variant Classification Sherloc (09022015). Collection method: clinical testing. Allele origin: germline.

GeneDx
Classification: Likely benign. Last evaluated: 2017-03-27. Review status: criteria provided, single submitter. Criteria: GeneDx Variant Classification (06012015). Collection method: clinical testing. Allele origin: germline. Affected: yes.
Comment: This variant is considered likely benign or benign based on one or more of the following criteria: it is a conservative change, it occurs at a poorly conserved position in the protein, it is predicted to be benign by multiple in silico algorithms, and/or has population frequency not consistent with disease.

PreventionGenetics, part of Exact Sciences
Classification: Likely benign for PLEC-related condition. Last evaluated: 2022-10-04. Review status: no assertion criteria provided. Collection method: clinical testing. Allele origin: germline. Not counted in ClinVar's aggregate classification.
Comment: This variant is classified as likely benign based on ACMG/AMP sequence variant interpretation guidelines (Richards et al. 2015 PMID: 25741868, with internal and published modifications).

NM_201384.3(PLEC):c.729C>T (p.Val243=)

Gene: PLEC (plectin; minus strand). Cytogenetic location: 8q24.3.
Variant type: single nucleotide variant.
Coding change: c.729C>T on transcript NM_201384.3 (MANE Select); coding-DNA position 729, C replaced by T.
Protein change: p.Val243=; no amino-acid change (valine 243 retained).
Molecular consequence: synonymous variant.
Genome position (GRCh38, 1-based): chr8:143,935,107, G>A on the plus strand (C>T on the coding strand, the complement: PLEC is on the minus strand). VCF-style: chr8-143935107-G-A. GRCh37 (hg19) VCF-style: chr8-145009275-G-A.
Other names: c.810C>T, p.Val270= (NM_000445.5); c.687C>T, p.Val229= (NM_201378.4); c.663C>T, p.Val221= (NM_201379.3); c.1140C>T, p.Val380= (NM_201380.4); c.633C>T, p.Val211= (NM_201381.3); c.729C>T, p.Val243= (NM_201382.4); c.741C>T, p.Val247= (NM_201383.3).
Identifiers: ClinVar variation 388808 (VCV000388808.12), dbSNP rs573371265, ClinGen allele CA4928331.
Genomic context (GRCh38, chr8:143,935,107, plus strand): 5'-GGGCATGGCGTCATACAGCGACGAGACGTAGGTGATGATGGACTTCTCGTCGGGCTGAGG[G>A]ACATCCACGTCTGCAGGGAAGGGCAGCTCAGCGGTGGCTCTGGGGCAGGCAGCAGGGGAA-3'
Protein context (NP_958786.1, residues 233-253): TRLLDPEDVD[Val243=]PQPDEKSIIT